The following is an entry in ClinVar:

NM_001278716.2(FBXL4):c.903T>A (p.Cys301Ter)

Gene: FBXL4 (F-box and leucine rich repeat protein 4; minus strand). Cytogenetic location: 6q16.2.
Variant type: single nucleotide variant.
Coding change: c.903T>A on transcript NM_001278716.2 (MANE Select); coding-DNA position 903, T replaced by A.
Protein change: p.Cys301Ter; replaces cysteine 301 with a stop codon.
Molecular consequence: nonsense. On other transcripts: non-coding transcript variant (2).
Genome position (GRCh38, 1-based): chr6:98,905,626, A>T on the plus strand (T>A on the coding strand, the complement: FBXL4 is on the minus strand). VCF-style: chr6-98905626-A-T. GRCh37 (hg19) VCF-style: chr6-99353502-A-T.
Other names: c.903T>A, p.Cys301Ter (NM_012160.5); short protein forms C301*.
Identifiers: ClinVar variation 437652 (VCV000437652.1), dbSNP rs775768793, ClinGen allele CA3933587.

ClinVar aggregate classification (germline): Likely pathogenic (1 of 4 stars; one submission).

Conditions:
Mitochondrial DNA depletion syndrome 13. Also called: FBXL4-Related Encephalomyopathic Mitochondrial DNA Depletion Syndrome; Mitochondrial DNA depletion syndrome 13 (encephalomyopathic type). Identifiers: Orphanet 369897, MedGen C3809592, MONDO:0014198, OMIM 615471.

Allele frequency attached by ClinVar (database versions not stated): gnomAD exomes below 0.00001; ExAC 0.00001.

Submission:

Wong Mito Lab, Molecular and Human Genetics, Baylor College of Medicine
Classification: Likely pathogenic for Mitochondrial DNA depletion syndrome 13. Last evaluated: 2017-08-10. Review status: criteria provided, single submitter. Criteria: ACMG Guidelines, 2015. Collection method: reference population. Allele origin: germline.
Comment: The NM_012160.4:c.903T>A (NP_036292.2:p.Cys301Ter) [GRCH38: NC_000006.12:g.98905626A>T] variant in FBXL4 gene is interpretated to be a Likely Pathogenic based on ACMG guidelines (PMID: 25741868). This variant meets one or more of the following evidence codes reported in the ACMG-guideline. PVS1:This variant is a predcted null variant in FBXL4 where loss of function is a known mechanism of disease. PM2:This variant is absent in key population databases. Based on this evidence code ClinGen Pathogenicity Calculator (PMID:28081714) suggested that the variant is Likely Pathogenic.